The following is an entry in ClinVar:

NM_007294.4(BRCA1):c.5074+3A>T

Gene: BRCA1 (BRCA1 DNA repair associated; minus strand). Cytogenetic location: 17q21.31.
Variant type: single nucleotide variant.
Coding change: c.5074+3A>T on transcript NM_007294.4 (MANE Select); 3 bases into the intron after coding-DNA position 5074, A replaced by T.
Molecular consequence: intron variant.
Genome position (GRCh38, 1-based): chr17:43,067,605, T>A on the plus strand (A>T on the coding strand, the complement: BRCA1 is on the minus strand). VCF-style: chr17-43067605-T-A. GRCh37 (hg19) VCF-style: chr17-41219622-T-A.
Other names: c.4990+3A>T (NM_001407663.1, NM_001407659.1, NM_001407662.1 and 2 more transcripts); c.4993+3A>T (NM_001407658.1, NM_001407656.1, NM_001407657.1); c.4996+3A>T (NM_001407653.1, NM_001407655.1, NM_001407654.1); c.4735+3A>T (NM_001407958.1, NM_001407956.1, NM_001407957.1); c.4738+3A>T (NM_001407955.1, NM_001407951.1, NM_001407954.1 and 3 more transcripts); c.1549+3A>T (NM_001408493.1, NM_001408492.1); c.1552+3A>T (NM_001408490.1, NM_001408489.1, NM_001408482.1 and 5 more transcripts); c.4858+3A>T (NM_001407915.1, NM_001407916.1, NM_001407917.1 and 1 more transcripts); and 71 more.
Identifiers: ClinVar variation 867602 (VCV000867602.13), dbSNP rs80358181, ClinGen allele CA916080159.
Genomic context (GRCh38, chr17:43,067,605, plus strand): 5'-TGCCTCGCCTCATGTGGTTTTATGCAGCAGATGCAAGGTATTCTGTAAAGGTTCTTGGTA[T>A]ACCTGTTTTCATAACAACATGAGTAGTCTCTTCAGTAATTAGATTAGTTAAAGTGATGTG-3'

ClinVar aggregate classification (germline): Likely pathogenic. Review status: criteria provided, multiple submitters, no conflicts (2 of 4 stars). 2 submissions from 2 submitters: Likely pathogenic (2). Last evaluated 2024-07-22.

Conditions:
Hereditary cancer-predisposing syndrome. Also called: Neoplastic Syndromes, Hereditary; Tumor predisposition; Hereditary Cancer Syndrome; Hereditary neoplastic syndrome. Identifiers: Orphanet 140162, MedGen C0027672, MeSH D009386, MONDO:0015356.
Hereditary breast ovarian cancer syndrome. Also called: Hereditary breast and ovarian cancer; Hereditary breast and ovarian cancer syndrome (HBOC); Breast and ovarian cancer; Hereditary breast and/or ovarian cancer syndrome; BRCA1- and BRCA2-Associated Hereditary Breast and Ovarian Cancer; Hereditary breast and ovarian cancer syndrome. Identifiers: Orphanet 145, MedGen C0677776, MeSH D061325, MONDO:0003582. Disease mechanism: loss of function.

Submissions (3):

Ambry Genetics
Classification: Likely pathogenic for Hereditary cancer-predisposing syndrome. Last evaluated: 2024-07-22. Review status: criteria provided, single submitter. Criteria: Ambry Variant Classification Scheme 2023. Collection method: clinical testing. Allele origin: germline.
Comment: The c.5074+3A>T intronic variant results from an A to T substitution 3 nucleotides after coding exon 15 in the BRCA1 gene. One functional study found that this nucleotide substitution is non-functional in a high-throughput, genome editing, haploid cell survival assay (Findlay GM et al. Nature, 2018 Oct;562:217-222). Another alteration impacting the same donor site (c.5074+3A>G) has been described to be non-functional and result in aberrant splicing (Ambry internal data; Men&eacute;ndez M et al. Breast Cancer Res Treat, 2012 Apr;132:979-92; Findlay GM et al. Nature, 2018 Oct;562:217-222). This nucleotide position is highly conserved in available vertebrate species. In silico splice site analysis predicts that this alteration will weaken the native splice donor site. RNA studies have demonstrated that this alteration results in abnormal splicing in the set of samples tested (Ambry internal data). This variant is considered to be rare based on population cohorts in the Genome Aggregation Database (gnomAD). Based on the majority of available evidence to date, this variant is likely to be pathogenic.

Labcorp Genetics (formerly Invitae), Labcorp
Classification: Likely pathogenic for Hereditary breast ovarian cancer syndrome. Last evaluated: 2020-04-06. Review status: criteria provided, single submitter. Criteria: Invitae Variant Classification Sherloc (09022015). Collection method: clinical testing. Allele origin: germline.
Comment: This sequence change falls in intron 16 of the BRCA1 gene. It does not directly change the encoded amino acid sequence of the BRCA1 protein, but it affects a nucleotide within the consensus splice site of the intron. This variant is not present in population databases (ExAC no frequency). This variant has not been reported in the literature in individuals with BRCA1-related conditions. Nucleotide substitutions within the consensus splice site are a relatively common cause of aberrant splicing (PMID: 17576681, 9536098). Experimental studies have shown that this variant disrupts mRNA splicing (PMID: 30209399). This variant disrupts the c.5074+3A nucleotide in the BRCA1 gene. Other variant(s) that disrupt this nucleotide have been determined to be pathogenic (PMID: 21735045, 24249303, 29409476, 30209399). This suggests that this nucleotide is clinically-significant, and that variants that disrupt this position are likely to be disease-causing. In summary, the currently available evidence indicates that the variant is pathogenic, but additional data are needed to prove that conclusively. Therefore, this variant has been classified as Likely Pathogenic.

Brotman Baty Institute, University of Washington
No classification provided (evidence only). Condition: Breast-ovarian cancer, familial 1. Review status: no classification provided. Collection method: in vitro. Allele origin: not applicable. Functional consequence: functionally_abnormal. Not counted in ClinVar's aggregate classification.
ClinVar note: "not provided" was previously submitted as the classification for the variant. However, the classification appeared to be based only on an observation of functional data so it was converted to no classification on 2025-07-30.

Literature cited by the submitters: PubMed 30209399 (cited by Ambry Genetics and Labcorp Genetics (formerly Invitae), Labcorp); PubMed 17576681 (cited by Labcorp Genetics (formerly Invitae), Labcorp); PubMed 9536098 (cited by Labcorp Genetics (formerly Invitae), Labcorp); PubMed 21735045 (cited by Labcorp Genetics (formerly Invitae), Labcorp); PubMed 24249303 (cited by Labcorp Genetics (formerly Invitae), Labcorp); PubMed 29409476 (cited by Labcorp Genetics (formerly Invitae), Labcorp).